The following is an entry in ClinVar:

ClinVar aggregate classification (germline): Uncertain significance (1 of 4 stars; one submission).

Conditions:
Hereditary cancer-predisposing syndrome. Also called: Tumor predisposition; Hereditary neoplastic syndrome; Hereditary Cancer Syndrome; Neoplastic Syndromes, Hereditary. Identifiers: Orphanet 140162, MedGen C0027672, MeSH D009386, MONDO:0015356.

Submission:

Ambry Genetics
Classification: Uncertain significance for Hereditary cancer-predisposing syndrome. Last evaluated: 2023-12-23. Review status: criteria provided, single submitter. Criteria: Ambry Variant Classification Scheme 2023. Collection method: clinical testing. Allele origin: germline.
Comment: The p.T231I variant (also known as c.692C>T), located in coding exon 2 of the ALK gene, results from a C to T substitution at nucleotide position 692. The threonine at codon 231 is replaced by isoleucine, an amino acid with similar properties. This amino acid position is conserved. In addition, this alteration is predicted to be tolerated by in silico analysis. Since supporting evidence is limited at this time, the clinical significance of this alteration remains unclear.

NM_004304.5(ALK):c.692C>T (p.Thr231Ile)

Gene: ALK (ALK receptor tyrosine kinase; minus strand). Cytogenetic location: 2p23.2.
Variant type: single nucleotide variant.
Coding change: c.692C>T on transcript NM_004304.5 (MANE Select); coding-DNA position 692, C replaced by T.
Protein change: p.Thr231Ile; replaces threonine 231 with isoleucine.
Molecular consequence: missense variant.
Genome position (GRCh38, 1-based): chr2:29,717,673, G>A on the plus strand (C>T on the coding strand, the complement: ALK is on the minus strand). VCF-style: chr2-29717673-G-A. GRCh37 (hg19) VCF-style: chr2-29940539-G-A.
Other names: short protein forms T231I.
Identifiers: ClinVar variation 3223924 (VCV003223924.1), dbSNP rs142120301, ClinGen allele CA346587805.